The following is an entry in ClinVar:

ClinVar aggregate classification (germline): Uncertain significance (1 of 4 stars; one submission).

Submission:

Labcorp Genetics (formerly Invitae), Labcorp
Classification: Uncertain significance. Last evaluated: 2025-08-04. Review status: criteria provided, single submitter. Criteria: Invitae Variant Classification Sherloc (09022015). Collection method: clinical testing. Allele origin: germline.
Comment: This sequence change replaces alanine, which is neutral and non-polar, with glycine, which is neutral and non-polar, at codon 1974 of the DSCAML1 protein (p.Ala1974Gly). This variant is not present in population databases (gnomAD no frequency). This variant has not been reported in the literature in individuals affected with DSCAML1-related conditions. An algorithm developed to predict the effect of missense changes on protein structure and function (PolyPhen-2) suggests that this variant is likely to be tolerated. In summary, the available evidence is currently insufficient to determine the role of this variant in disease. Therefore, it has been classified as a Variant of Uncertain Significance.

NM_020693.4(DSCAML1):c.5741C>G (p.Ala1914Gly)

Gene: DSCAML1 (DS cell adhesion molecule like 1; minus strand). Cytogenetic location: 11q23.3.
Variant type: single nucleotide variant.
Coding change: c.5741C>G on transcript NM_020693.4 (MANE Select); coding-DNA position 5741, C replaced by G.
Protein change: p.Ala1914Gly; replaces alanine 1914 with glycine.
Molecular consequence: missense variant.
Genome position (GRCh38, 1-based): chr11:117,428,749, G>C on the plus strand (C>G on the coding strand, the complement: DSCAML1 is on the minus strand). VCF-style: chr11-117428749-G-C. GRCh37 (hg19) VCF-style: chr11-117299465-G-C.
Other names: short protein forms A1914G.
Identifiers: ClinVar variation 4773713 (VCV004773713.1).
Genomic context (GRCh38, chr11:117,428,749, plus strand): 5'-GCCAGGTTCCGGATGGAGGCCTCACGGGGTGGGACCACGGGGCAGGGCTCACGTCCATCT[G>C]CCTTTCGAAAGAAGGCCTCTGACTTGGCATACAGGGGCAGGTTGCAGTAGTCACCTGGAA-3'
Protein context (NP_065744.3, residues 1904-1924): YAKSEAFFRK[Ala1914Gly]DGREPCPVVP